The following is an entry in ClinVar:

ClinVar aggregate classification (germline): Uncertain significance. Review status: criteria provided, multiple submitters, no conflicts (2 of 4 stars). 2 submissions from 2 submitters: Uncertain significance (2). Last evaluated 2025-07-08.

Conditions:
Nephrolithiasis/nephrocalcinosis. Identifiers: MedGen CN580796.
Lowe syndrome (OCRL). Also called: LOWE OCULOCEREBRORENAL SYNDROME; PHOSPHATIDYLINOSITOL 4,5-BISPHOSPHATE 5-PHOSPHATASE DEFICIENCY; Oculocerebrorenal Syndrome. Identifiers: Orphanet 534, MedGen C0028860, MONDO:0010645, OMIM 309000.

Allele frequency attached by ClinVar (database versions not stated): ExAC 0.00002; gnomAD exomes 0.00002; gnomAD 0.00004 and 0.00005; TOPMed 0.00005.
gnomAD v4.1: 22 of 1,209,447 alleles (0.0018%); highest among the groups gnomAD compares: East Asian, 0.003%; no homozygotes.

Submissions (2):

Ambry Genetics
Classification: Uncertain significance for Nephrolithiasis/nephrocalcinosis. Last evaluated: 2025-07-08. Review status: criteria provided, single submitter. Criteria: Ambry Variant Classification Scheme 2023. Collection method: clinical testing. Allele origin: germline.

Labcorp Genetics (formerly Invitae), Labcorp
Classification: Uncertain significance for Lowe syndrome. Last evaluated: 2024-12-22. Review status: criteria provided, single submitter. Criteria: Invitae Variant Classification Sherloc (09022015). Collection method: clinical testing. Allele origin: germline.
Comment: This sequence change replaces serine, which is neutral and polar, with leucine, which is neutral and non-polar, at codon 648 of the OCRL protein (p.Ser648Leu). This variant is present in population databases (rs753260631, gnomAD 0.004%). This variant has not been reported in the literature in individuals affected with OCRL-related conditions. ClinVar contains an entry for this variant (Variation ID: 1383527). Invitae Evidence Modeling of protein sequence and biophysical properties (such as structural, functional, and spatial information, amino acid conservation, physicochemical variation, residue mobility, and thermodynamic stability) indicates that this missense variant is not expected to disrupt OCRL protein function with a negative predictive value of 80%. In summary, the available evidence is currently insufficient to determine the role of this variant in disease. Therefore, it has been classified as a Variant of Uncertain Significance.

NM_000276.4(OCRL):c.1943C>T (p.Ser648Leu)

Gene: OCRL (OCRL inositol polyphosphate-5-phosphatase; plus strand). Cytogenetic location: Xq26.1.
Variant type: single nucleotide variant.
Coding change: c.1943C>T on transcript NM_000276.4 (MANE Select); coding-DNA position 1943, C replaced by T.
Protein change: p.Ser648Leu; replaces serine 648 with leucine.
Molecular consequence: missense variant.
Genome position (GRCh38, 1-based): chrX:129,576,380, C>T. VCF-style: chrX-129576380-C-T. GRCh37 (hg19) VCF-style: chrX-128710357-C-T.
Other names: c.1943C>T (NM_000276.3); c.1946C>T, p.Ser649Leu (NM_001318784.2); c.1943C>T, p.Ser648Leu (NM_001587.4); short protein forms S649L, S648L.
Identifiers: ClinVar variation 1383527 (VCV001383527.6), dbSNP rs753260631, ClinGen allele CA10512263.